The following is an entry in ClinVar:

ClinVar aggregate classification (germline): Uncertain significance (1 of 4 stars; one submission).

Conditions:
Autosomal recessive severe congenital neutropenia due to JAGN1 deficiency. Also called: Severe congenital neutropenia 6, autosomal recessive. Identifiers: Orphanet 423384, MedGen C4014954, MONDO:0014456, OMIM 616022.

gnomAD v4.1: 2 of 1,614,194 alleles (0.00012%); highest among the groups gnomAD compares: East Asian, 0.0022%; no homozygotes.

Submission:

Labcorp Genetics (formerly Invitae), Labcorp
Classification: Uncertain significance for Autosomal recessive severe congenital neutropenia due to JAGN1 deficiency. Last evaluated: 2025-10-23. Review status: criteria provided, single submitter. Criteria: Invitae Variant Classification Sherloc (09022015). Collection method: clinical testing. Allele origin: germline.
Comment: This sequence change replaces phenylalanine, which is neutral and non-polar, with serine, which is neutral and polar, at codon 140 of the JAGN1 protein (p.Phe140Ser). This variant is not present in population databases (gnomAD no frequency). This variant has not been reported in the literature in individuals affected with JAGN1-related conditions. An algorithm developed to predict the effect of missense changes on protein structure and function (PolyPhen-2) suggests that this variant is likely to be disruptive. In summary, the available evidence is currently insufficient to determine the role of this variant in disease. Therefore, it has been classified as a Variant of Uncertain Significance.

NM_032492.4(JAGN1):c.419T>C (p.Phe140Ser)

Gene: JAGN1 (jagunal vesicle mediated transporter 1; plus strand). Cytogenetic location: 3p25.3.
Variant type: single nucleotide variant.
Coding change: c.419T>C on transcript NM_032492.4 (MANE Select); coding-DNA position 419, T replaced by C.
Protein change: p.Phe140Ser; replaces phenylalanine 140 with serine.
Molecular consequence: missense variant.
Genome position (GRCh38, 1-based): chr3:9,893,244, T>C. VCF-style: chr3-9893244-T-C. GRCh37 (hg19) VCF-style: chr3-9934928-T-C.
Other names: c.257T>C, p.Phe86Ser (NM_001363890.1); short protein forms F86S, F140S.
Identifiers: ClinVar variation 4706682 (VCV004706682.1).